The following is an entry in ClinVar:

NM_002474.3(MYH11):c.2041C>T (p.Pro681Ser)

Gene: MYH11 (myosin heavy chain 11; minus strand). Cytogenetic location: 16p13.11.
Variant type: single nucleotide variant.
Coding change: c.2041C>T on transcript NM_002474.3 (MANE Select); coding-DNA position 2041, C replaced by T.
Protein change: p.Pro681Ser; replaces proline 681 with serine.
Molecular consequence: missense variant.
Genome position (GRCh38, 1-based): chr16:15,750,155, G>A on the plus strand (C>T on the coding strand, the complement: MYH11 is on the minus strand). VCF-style: chr16-15750155-G-A. GRCh37 (hg19) VCF-style: chr16-15844012-G-A.
Other names: c.2062C>T, p.Pro688Ser (NM_001040113.2, NM_001040114.2); c.2041C>T, p.Pro681Ser (NM_022844.3); short protein forms P688S, P681S.
Identifiers: ClinVar variation 318167 (VCV000318167.9), dbSNP rs886051763, ClinGen allele CA10637267.

ClinVar aggregate classification (germline): Uncertain significance. Review status: criteria provided, multiple submitters, no conflicts (2 of 4 stars). 2 submissions from 2 submitters: Uncertain significance (2). Last evaluated 2023-12-05.

Conditions:
Familial thoracic aortic aneurysm and aortic dissection (TAAD). Also called: Thoracic aortic aneurysms and dissections. Identifiers: Orphanet 91387, MedGen C4707243, MONDO:0019625.
Aortic aneurysm, familial thoracic 4 (AAT4). Also called: AORTIC ANEURYSM/AORTIC DISSECTION AND PATENT DUCTUS ARTERIOSUS. Identifiers: MedGen C1851504, MONDO:0007568, OMIM 132900.

Submissions (2):

Color Diagnostics, LLC DBA Color Health
Classification: Uncertain significance for Familial thoracic aortic aneurysm and aortic dissection. Last evaluated: 2023-12-05. Review status: criteria provided, single submitter. Criteria: ACMG Guidelines, 2015. Collection method: clinical testing. Allele origin: germline.
Comment: Variant of Uncertain Significance due to insufficient evidence: This missense variant is located in the myosin motor domain of the MYH11 protein. Computational prediction tools and conservation analyses suggest that this variant may have deleterious impact on the protein function. Computational splicing tools suggest that this variant may not impact RNA splicing. To our knowledge, functional assays have not been performed for this variant nor has this variant been reported in individuals affected with cardiovascular disorders in the literature. This variant is rare in the general population and has been identified in 0/277264 chromosomes by the Genome Aggregation Database (gnomAD). Available evidence is insufficient to determine the pathogenicity of this variant conclusively.

Illumina Laboratory Services, Illumina
Classification: Uncertain significance for Aortic aneurysm, familial thoracic 4. Last evaluated: 2018-01-12. Review status: criteria provided, single submitter. Criteria: ICSL Variant Classification Criteria 13 December 2019. Collection method: clinical testing. Allele origin: germline.